The following is an entry in ClinVar:

ClinVar aggregate classification (germline): Uncertain significance. Review status: criteria provided, multiple submitters, no conflicts (2 of 4 stars). 2 submissions from 2 submitters: Uncertain significance (2). Last evaluated 2024-10-21.

Allele frequency attached by ClinVar (database versions not stated): TOPMed below 0.00001; ExAC 0.00001; gnomAD 0.00001; gnomAD exomes 0.00001 and 0.00002; 1000 Genomes Project 30x 0.00016.
gnomAD v4.1: 23 of 1,562,220 alleles (0.0015%); highest among the groups gnomAD compares: Middle Eastern, 0.02%; no homozygotes.

Submissions (2):

Blueprint Genetics
Classification: Uncertain significance. Last evaluated: 2024-10-21. Review status: criteria provided, single submitter. Criteria: ACMG Guidelines, 2015. Collection method: clinical testing. Allele origin: germline.

Labcorp Genetics (formerly Invitae), Labcorp
Classification: Uncertain significance. Last evaluated: 2024-05-06. Review status: criteria provided, single submitter. Criteria: Invitae Variant Classification Sherloc (09022015). Collection method: clinical testing. Allele origin: germline.
Comment: This sequence change replaces threonine, which is neutral and polar, with alanine, which is neutral and non-polar, at codon 2180 of the CACNA1D protein (p.Thr2180Ala). This variant is present in population databases (rs192849222, gnomAD 0.003%). This variant has not been reported in the literature in individuals affected with CACNA1D-related conditions. ClinVar contains an entry for this variant (Variation ID: 1420236). An algorithm developed to predict the effect of missense changes on protein structure and function (PolyPhen-2) suggests that this variant is likely to be tolerated. In summary, the available evidence is currently insufficient to determine the role of this variant in disease. Therefore, it has been classified as a Variant of Uncertain Significance.

NM_001128840.3(CACNA1D):c.6478A>G (p.Thr2160Ala)

Gene: CACNA1D (calcium voltage-gated channel subunit alpha1 D; plus strand). Cytogenetic location: 3p21.1.
Variant type: single nucleotide variant.
Coding change: c.6478A>G on transcript NM_001128840.3 (MANE Select); coding-DNA position 6478, A replaced by G.
Protein change: p.Thr2160Ala; replaces threonine 2160 with alanine.
Molecular consequence: missense variant.
Genome position (GRCh38, 1-based): chr3:53,811,398, A>G. VCF-style: chr3-53811398-A-G. GRCh37 (hg19) VCF-style: chr3-53845425-A-G.
Other names: c.6538A>G, p.Thr2180Ala (NM_000720.4); c.6406A>G, p.Thr2136Ala (NM_001128839.3); short protein forms T2136A, T2180A, T2160A.
Identifiers: ClinVar variation 1420236 (VCV001420236.7), dbSNP rs192849222, ClinGen allele CA2455454.